The following is an entry in ClinVar:

NM_006218.4(PIK3CA):c.2015+9A>G

Gene: PIK3CA (phosphatidylinositol-4,5-bisphosphate 3-kinase catalytic subunit alpha; plus strand). Cytogenetic location: 3q26.32.
Variant type: single nucleotide variant.
Coding change: c.2015+9A>G on transcript NM_006218.4 (MANE Select); 9 bases into the intron after coding-DNA position 2015, A replaced by G.
Molecular consequence: intron variant.
Genome position (GRCh38, 1-based): chr3:179,220,061, A>G. VCF-style: chr3-179220061-A-G. GRCh37 (hg19) VCF-style: chr3-178937849-A-G.
Other names: c.2015+9A>G (LRG_310t1).
Identifiers: ClinVar variation 412646 (VCV000412646.18), dbSNP rs200768351, ClinGen allele CA2710843.

ClinVar aggregate classification (germline): Likely benign. Review status: reviewed by expert panel (3 of 4 stars). 3 submissions from 3 submitters: Likely benign (1). 2 of the submissions do not count toward it. Last evaluated 2022-02-12.

Conditions:
Overgrowth syndrome and/or cerebral malformations due to abnormalities in MTOR pathway genes. Identifiers: MedGen CN300503, MONDO:0100283.
Cowden syndrome (CS). Also called: Cowden's disease; Cowden's syndrome; Cowden disease. Identifiers: Orphanet 201, MedGen C0018553, MONDO:0016063. Disease mechanism: gain of function.

Allele frequency attached by ClinVar (database versions not stated): gnomAD exomes 0.00003 and 0.00011; ExAC 0.00011; ESP Exome Variant Server 0.00026; TOPMed 0.00029; gnomAD 0.00032; 1000 Genomes Project 30x 0.00047; 1000 Genomes Project 0.00060.
gnomAD v4.1: 90 of 1,549,338 alleles (0.0058%); highest among the groups gnomAD compares: African/African-American, 0.094%; no homozygotes.

Submissions (3):

ClinGen Brain Malformations Variant Curation Expert Panel
Classification: Likely benign for Overgrowth syndrome and/or cerebral malformations due to abnormalities in MTOR pathway genes. Last evaluated: 2022-02-12. Review status: reviewed by expert panel. Criteria: ClinGen BrainMalform ACMG Specifications v1. Collection method: curation. Allele origin: germline. Inheritance: Autosomal dominant inheritance.
Comment: The c.2015+9A>G (NM_006218.4) variant in PIK3CA is an intronic variant. The highest population minor allele frequency in gnomAD v2.1.1 is 0.0008591 in the African/African American population, which is higher than the ClinGen BMEP threshold ([>0.00037]) for BS1, and therefore meets this criterion (BS1). The results from in silico splicing predictors MaxEntScan, spliceAI and varSEAK support that this variant does not affect splicing (BP4). This variant is a synonymous (silent) variant that occurs at a nucleotide that is not conserved according to a PhyloP <0.1 (BP7). In summary, this variant meets the criteria to be classified as Likely benign for mosaic autosomal dominant overgrowth with or without cerebral malformations due to abnormalities in MTOR-pathway genes based on the ACMG/AMP criteria applied, as specified by the ClinGen Brain Malformations Expert Panel: BS1, BP4, BP7; -6 points (VCEP specifications version 1; Approved: 1/31/2021)

Labcorp Genetics (formerly Invitae), Labcorp
Classification: Likely benign for Cowden syndrome. Last evaluated: 2025-06-02. Review status: criteria provided, single submitter. Criteria: Invitae Variant Classification Sherloc (09022015). Collection method: clinical testing. Allele origin: germline. Not counted in ClinVar's aggregate classification.

GeneDx
Classification: Benign. Last evaluated: 2020-09-08. Review status: criteria provided, single submitter. Criteria: GeneDx Variant Classification Process June 2021. Collection method: clinical testing. Allele origin: germline. Affected: yes. Not counted in ClinVar's aggregate classification.